The following is an entry in ClinVar:

NM_080425.4(GNAS):c.2044T>A (p.Cys682Ser)

Gene: GNAS (GNAS complex locus; plus strand). Cytogenetic location: 20q13.32.
Variant type: single nucleotide variant.
Coding change: c.2044T>A on transcript NM_080425.4 (MANE Plus Clinical); coding-DNA position 2044, T replaced by A.
Protein change: p.Cys682Ser; replaces cysteine 682 with serine.
Molecular consequence: missense variant. On other transcripts: nonsense (2), intron variant (3).
Genome position (GRCh38, 1-based): chr20:58,855,309, T>A. VCF-style: chr20-58855309-T-A. GRCh37 (hg19) VCF-style: chr20-57430364-T-A.
Other names: c.1857T>A, p.Cys619Ter (NM_001077490.3, NM_001309883.1); c.2044T>A, p.Cys682Ser (NM_001410913.1); c.*42+14423T>A (NM_016592.5); c.43+14423T>A (NM_001410912.1); c.-39+13434T>A (NM_001309861.2); short protein forms C619*, C682S.
Identifiers: ClinVar variation 4886169 (VCV004886169.2).

ClinVar aggregate classification (germline): Uncertain significance (1 of 4 stars; one submission).

Submission:

Dasa
Classification: Uncertain significance. Last evaluated: 2025-12-10. Review status: criteria provided, single submitter. Criteria: DASA Assertion Criteria. Collection method: clinical testing. Allele origin: germline.
Comment: NM_001077490.3(GNAS):c.1857T>A (p.Cys619*) is a nonsense variant in GNAS predicted to introduce a premature termination codon and is predicted to result in an absent or altered protein product. This variant is rare in population databases. The currently available literature and clinical evidence are not sufficient to establish a definitive association between this variant and the reported condition. Therefore, this variant is classified as a variant of uncertain significance.